The following is an entry in ClinVar:

ClinVar aggregate classification (germline): Likely pathogenic (1 of 4 stars; one submission).

Submission:

GeneDx
Classification: Likely pathogenic. Last evaluated: 2026-09-19. Review status: criteria provided, single submitter. Criteria: GeneDx Variant Classification Process June 2021. Collection method: clinical testing. Allele origin: germline.
Comment: De novo variant with confirmed parentage in a patient from a cohort with neurodevelopmental disorders; however, additional clinical information was not included (PMID: 28191890); Frameshift variant predicted to result in protein truncation or nonsense mediated decay in a gene for which loss of function is a known mechanism of disease; Not observed at significant frequency in large population cohorts (gnomAD); This variant is associated with the following publications: (PMID: 28191890)

NM_033109.5(PNPT1):c.1890dup (p.Leu631fs)

Gene: PNPT1 (polyribonucleotide nucleotidyltransferase 1; minus strand). Cytogenetic location: 2p16.1.
Variant type: Duplication.
Coding change: c.1890dup on transcript NM_033109.5 (MANE Select); coding-DNA position 1890, one base duplicated (A; older notation c.1890dupA).
Protein change: p.Leu631fs; shifts the reading frame from leucine 631.
Molecular consequence: frameshift variant.
Genome position (GRCh38, 1-based): chr2:55,644,653, T duplicated on the plus strand (A on the coding strand, the reverse complement: PNPT1 is on the minus strand); the first of 7 consecutive T bases (chr2:55,644,653-55,644,659); duplicating any one gives the same sequence. VCF-style (leftmost placement, unchanged base first): chr2-55644652-G-GT. GRCh37 (hg19) VCF-style: chr2-55871787-G-GT.
Other names: short protein forms L631fs.
Identifiers: ClinVar variation 3766068 (VCV003766068.2).